The following is an entry in ClinVar:

NM_015909.4(NBAS):c.2558T>C (p.Ile853Thr)

Gene: NBAS (NBAS subunit of NRZ tethering complex; minus strand). Cytogenetic location: 2p24.3.
Variant type: single nucleotide variant.
Coding change: c.2558T>C on transcript NM_015909.4 (MANE Select); coding-DNA position 2558, T replaced by C.
Protein change: p.Ile853Thr; replaces isoleucine 853 with threonine.
Molecular consequence: missense variant. On other transcripts: non-coding transcript variant (1).
Genome position (GRCh38, 1-based): chr2:15,424,334, A>G on the plus strand (T>C on the coding strand, the complement: NBAS is on the minus strand). VCF-style: chr2-15424334-A-G. GRCh37 (hg19) VCF-style: chr2-15564458-A-G.
Other names: c.2558T>C (NM_015909.2); short protein forms I853T.
Identifiers: ClinVar variation 1427581 (VCV001427581.10), dbSNP rs749873028, ClinGen allele CA1536326.
Genomic context (GRCh38, chr2:15,424,334, plus strand): 5'-TCCACTAACATTACTGAGCAGCAGCTGCCATTTCCCCTCACCTGCCGAGCATAATGCTCT[A>G]TTTCCTCTGCTCTGGTCTGATACCAGTCCATAACCTTCTCCACCGTAAGCTGGGTCATCC-3'
Protein context (NP_056993.2, residues 843-863): MDWYQTRAEE[Ile853Thr]EHYARQVDCA

ClinVar aggregate classification (germline): Conflicting classifications of pathogenicity. Review status: criteria provided, conflicting classifications (1 of 4 stars). 3 submissions from 3 submitters: Uncertain significance (2); Likely benign (1). Last evaluated 2026-01-06.

Conditions:
Inborn genetic diseases. Identifiers: MedGen C0950123, MeSH D030342.
Infantile liver failure syndrome 2 (ILFS2). Identifiers: MedGen C3809651, MONDO:0014659, OMIM 616483.

Allele frequency attached by ClinVar (database versions not stated): TOPMed 0.00002; gnomAD 0.00003; gnomAD exomes 0.00006 and 0.00010; ExAC 0.00008.
gnomAD v4.1: 94 of 1,613,912 alleles (0.0058%); highest among the groups gnomAD compares: South Asian, 0.089%; no homozygotes.

Submissions (3):

Labcorp Genetics (formerly Invitae), Labcorp
Classification: Likely benign. Last evaluated: 2026-01-06. Review status: criteria provided, single submitter. Criteria: Invitae Variant Classification Sherloc (09022015). Collection method: clinical testing. Allele origin: germline.

Ambry Genetics
Classification: Uncertain significance for Inborn genetic diseases. Last evaluated: 2025-04-15. Review status: criteria provided, single submitter. Criteria: Ambry Variant Classification Scheme 2023. Collection method: clinical testing. Allele origin: germline.

3billion
Classification: Uncertain significance for Infantile liver failure syndrome 2. Last evaluated: 2025-02-21. Review status: criteria provided, single submitter. Criteria: ACMG Guidelines, 2015. Collection method: clinical testing. Allele origin: germline. Affected: yes.
Comment: The variant is observed at an extremely low frequency in the gnomAD v4.1.0 dataset (total allele frequency: 0.006%). Predicted Consequence/Location: Missense variant. The majority of the known disease-causing variants of this gene are variants expected to result in premature termination of the protein. Damaging effect on gene or gene product predicted by in silico programs is uncertain [REVEL: 0.41 (damaging >=0.6, benign <0.4), 3Cnet: 0.12 (damaging >=0.6, benign <0.15)]. The variant has been reported as benign without evidence for the classification (ClinVar ID: VCV001427581). Therefore, this variant is classified as VUS according to the recommendation of ACMG/AMP guideline.